The following is an entry in ClinVar:

NM_004430.3(EGR3):c.1039G>A (p.Glu347Lys)

Gene: EGR3 (early growth response 3; minus strand). Cytogenetic location: 8p21.3.
Variant type: single nucleotide variant.
Coding change: c.1039G>A on transcript NM_004430.3 (MANE Select); coding-DNA position 1039, G replaced by A.
Protein change: p.Glu347Lys; replaces glutamic acid 347 with lysine.
Molecular consequence: missense variant.
Genome position (GRCh38, 1-based): chr8:22,690,598, C>T on the plus strand (G>A on the coding strand, the complement: EGR3 is on the minus strand). VCF-style: chr8-22690598-C-T. GRCh37 (hg19) VCF-style: chr8-22548111-C-T.
Other names: c.925G>A, p.Glu309Lys (NM_001199880.2); c.877G>A, p.Glu293Lys (NM_001199881.2); short protein forms E293K, E309K, E347K.
Identifiers: ClinVar variation 3033412 (VCV003033412.2), dbSNP rs867051535, ClinGen allele CA173881876.

ClinVar aggregate classification (germline): Uncertain significance (0 of 4 stars; one submission).

Conditions:
EGR3-related disorder. Also called: EGR3-related condition.

Submission:

PreventionGenetics, part of Exact Sciences
Classification: Uncertain significance for EGR3-related condition. Last evaluated: 2023-12-29. Review status: no assertion criteria provided. Collection method: clinical testing. Allele origin: germline.
Comment: The EGR3 c.1039G>A variant is predicted to result in the amino acid substitution p.Glu347Lys. This variant was reported as de novo in an individual form a West syndrome cohort (Patient WS15 in Table S4, Peng et al 2018. PubMed ID: 29667327). This variant has not been reported in a large population database, indicating this variant is rare. Although we suspect that this variant may be pathogenic, at this time, the clinical significance of this variant is uncertain due to the absence of conclusive functional and genetic evidence.